The following is an entry in ClinVar:

ClinVar aggregate classification (germline): Uncertain significance (1 of 4 stars; one submission).

Submission:

Labcorp Genetics (formerly Invitae), Labcorp
Classification: Uncertain significance. Last evaluated: 2025-07-08. Review status: criteria provided, single submitter. Criteria: Invitae Variant Classification Sherloc (09022015). Collection method: clinical testing. Allele origin: germline.
Comment: This sequence change replaces tyrosine, which is neutral and polar, with cysteine, which is neutral and slightly polar, at codon 386 of the LRP5 protein (p.Tyr386Cys). This variant is not present in population databases (gnomAD no frequency). This variant has not been reported in the literature in individuals affected with LRP5-related conditions. Invitae Evidence Modeling of protein sequence and biophysical properties (such as structural, functional, and spatial information, amino acid conservation, physicochemical variation, residue mobility, and thermodynamic stability) has been performed for this missense variant. However, the output from this modeling did not meet the statistical confidence thresholds required to predict the impact of this variant on LRP5 protein function. In summary, the available evidence is currently insufficient to determine the role of this variant in disease. Therefore, it has been classified as a Variant of Uncertain Significance.

NM_002335.4(LRP5):c.1157A>G (p.Tyr386Cys)

Gene: LRP5 (LDL receptor related protein 5; plus strand). Cytogenetic location: 11q13.2.
Variant type: single nucleotide variant.
Coding change: c.1157A>G on transcript NM_002335.4 (MANE Select); coding-DNA position 1157, A replaced by G.
Protein change: p.Tyr386Cys; replaces tyrosine 386 with cysteine.
Molecular consequence: missense variant. On other transcripts: 5 prime UTR variant (1).
Genome position (GRCh38, 1-based): chr11:68,386,457, A>G. VCF-style: chr11-68386457-A-G. GRCh37 (hg19) VCF-style: chr11-68153925-A-G.
Other names: c.-609A>G (NM_001291902.2); short protein forms Y386C.
Identifiers: ClinVar variation 4761712 (VCV004761712.1).